The following is an entry in ClinVar:

ClinVar aggregate classification (germline): Uncertain significance (1 of 4 stars; one submission).

Allele frequency attached by ClinVar (database versions not stated): gnomAD 0.00001; gnomAD exomes 0.00001; TOPMed 0.00001.
gnomAD v4.1: 12 of 1,613,956 alleles (0.00074%); highest among the groups gnomAD compares: Non-Finnish European, 0.00093%; no homozygotes.

Submission:

Labcorp Genetics (formerly Invitae), Labcorp
Classification: Uncertain significance. Last evaluated: 2022-07-06. Review status: criteria provided, single submitter. Criteria: Invitae Variant Classification Sherloc (09022015). Collection method: clinical testing. Allele origin: germline.
Comment: ClinVar contains an entry for this variant (Variation ID: 1348093). This variant has not been reported in the literature in individuals affected with IFT52-related conditions. This variant is not present in population databases (gnomAD no frequency). This sequence change replaces alanine, which is neutral and non-polar, with valine, which is neutral and non-polar, at codon 309 of the IFT52 protein (p.Ala309Val). Algorithms developed to predict the effect of missense changes on protein structure and function are either unavailable or do not agree on the potential impact of this missense change (SIFT: "Not Available"; PolyPhen-2: "Benign"; Align-GVGD: "Not Available"). In summary, the available evidence is currently insufficient to determine the role of this variant in disease. Therefore, it has been classified as a Variant of Uncertain Significance.

NM_016004.5(IFT52):c.926C>T (p.Ala309Val)

Gene: IFT52 (intraflagellar transport 52; plus strand). Cytogenetic location: 20q13.12.
Variant type: single nucleotide variant.
Coding change: c.926C>T on transcript NM_016004.5 (MANE Select); coding-DNA position 926, C replaced by T.
Protein change: p.Ala309Val; replaces alanine 309 with valine.
Molecular consequence: missense variant.
Genome position (GRCh38, 1-based): chr20:43,635,928, C>T. VCF-style: chr20-43635928-C-T. GRCh37 (hg19) VCF-style: chr20-42264568-C-T.
Other names: c.926C>T, p.Ala309Val (NM_001303458.3, NM_001303459.3); c.398C>T, p.Ala133Val (NM_001323578.2, NM_001323580.2); c.275C>T, p.Ala92Val (NM_001323579.2, NM_001323581.2); short protein forms A309V, A133V, A92V.
Identifiers: ClinVar variation 1348093 (VCV001348093.8), dbSNP rs201981328, ClinGen allele CA314578317.
Genomic context (GRCh38, chr20:43,635,928, plus strand): 5'-TAGACGTGCTGAGCTATAGTGTCTTGATCCCTGCTTTTTTGTTTGATTATGAACACAGGG[C>T]TCACGAGCAGCTAAATGTGAAACATGAACCACTCCAGCTCATCCAGCCTCAGTTTGAGAC-3'
Protein context (NP_057088.2, residues 299-319): DTTSFHSVIE[Ala309Val]HEQLNVKHEP